The following is an entry in ClinVar:

NM_005618.4(DLL1):c.1859A>G (p.Asp620Gly)

Gene: DLL1 (delta like canonical Notch ligand 1; minus strand). Cytogenetic location: 6q27.
Variant type: single nucleotide variant.
Coding change: c.1859A>G on transcript NM_005618.4 (MANE Select); coding-DNA position 1859, A replaced by G.
Protein change: p.Asp620Gly; replaces aspartic acid 620 with glycine.
Molecular consequence: missense variant.
Genome position (GRCh38, 1-based): chr6:170,283,420, T>C on the plus strand (A>G on the coding strand, the complement: DLL1 is on the minus strand). VCF-style: chr6-170283420-T-C. GRCh37 (hg19) VCF-style: chr6-170592508-T-C.
Other names: short protein forms D620G.
Identifiers: ClinVar variation 2657152 (VCV002657152.24), dbSNP rs750323375, ClinGen allele CA4106704.

ClinVar aggregate classification (germline): Uncertain significance (1 of 4 stars; one submission).

Allele frequency attached by ClinVar (database versions not stated): gnomAD exomes below 0.00001; ExAC 0.00001.
gnomAD v4.1: 1 of 1,611,274 alleles (0.000062%); highest among the groups gnomAD compares: Non-Finnish European, 0.000085%; no homozygotes.

Submission:

CeGaT Center for Human Genetics Tuebingen
Classification: Uncertain significance. Last evaluated: 2023-02-01. Review status: criteria provided, single submitter. Criteria: CeGaT Center For Human Genetics Tuebingen Variant Classification Criteria Version 2. Collection method: clinical testing. Allele origin: germline. Affected: yes. Observed: 1 variant allele.
Comment: DLL1: PM2